The following is an entry in ClinVar:

NM_004204.5(PIGQ):c.1571G>C (p.Arg524Thr)

Gene: PIGQ (phosphatidylinositol glycan anchor biosynthesis class Q; plus strand). Cytogenetic location: 16p13.3.
Variant type: single nucleotide variant.
Coding change: c.1571G>C on transcript NM_004204.5 (MANE Select); coding-DNA position 1571, G replaced by C.
Protein change: p.Arg524Thr; replaces arginine 524 with threonine.
Molecular consequence: missense variant. On other transcripts: intron variant (1).
Genome position (GRCh38, 1-based): chr16:582,287, G>C. VCF-style: chr16-582287-G-C. GRCh37 (hg19) VCF-style: chr16-632287-G-C.
Other names: c.1532-596G>C (NM_148920.4); short protein forms R524T.
Identifiers: ClinVar variation 2115177 (VCV002115177.4), dbSNP rs143762913, ClinGen allele CA394060673.

ClinVar aggregate classification (germline): Uncertain significance (1 of 4 stars; one submission).

Conditions:
Epilepsy. Also called: Seizure disorder. Identifiers: MedGen C0014544, MeSH D004827, MONDO:0005027.

Submission:

Labcorp Genetics (formerly Invitae), Labcorp
Classification: Uncertain significance for Epilepsy. Last evaluated: 2022-03-20. Review status: criteria provided, single submitter. Criteria: Invitae Variant Classification Sherloc (09022015). Collection method: clinical testing. Allele origin: germline.
Comment: In summary, the available evidence is currently insufficient to determine the role of this variant in disease. Therefore, it has been classified as a Variant of Uncertain Significance. Algorithms developed to predict the effect of missense changes on protein structure and function (SIFT, PolyPhen-2, Align-GVGD) all suggest that this variant is likely to be tolerated. This variant has not been reported in the literature in individuals affected with PIGQ-related conditions. This variant is not present in population databases (gnomAD no frequency). This sequence change replaces arginine, which is basic and polar, with threonine, which is neutral and polar, at codon 524 of the PIGQ protein (p.Arg524Thr).